The following is an entry in ClinVar:

NM_033026.6(PCLO):c.14270C>G (p.Thr4757Ser)

Gene: PCLO (piccolo presynaptic cytomatrix protein; minus strand). Cytogenetic location: 7q21.11.
Variant type: single nucleotide variant.
Coding change: c.14270C>G on transcript NM_033026.6 (MANE Select); coding-DNA position 14270, C replaced by G.
Protein change: p.Thr4757Ser; replaces threonine 4757 with serine.
Molecular consequence: missense variant.
Genome position (GRCh38, 1-based): chr7:82,827,946, G>C on the plus strand (C>G on the coding strand, the complement: PCLO is on the minus strand). VCF-style: chr7-82827946-G-C. GRCh37 (hg19) VCF-style: chr7-82457262-G-C.
Other names: c.14270C>G, p.Thr4757Ser (NM_014510.3); short protein forms T4757S.
Identifiers: ClinVar variation 2035262 (VCV002035262.4), dbSNP rs2535275858, ClinGen allele CA368020930.
Genomic context (GRCh38, chr7:82,827,946, plus strand): 5'-ATACTTTTATAAATTACTGTTTGATTCCACTCAGGATTAAGACTTTTCTGGACATGTTTA[G>C]TCCTTCTCTTGTACTCAGCACTGAATTGGGAGAAAAGAAAGAGTTATCTTGATTATTCAC-3'
Protein context (NP_149015.2, residues 4747-4767): QNASAEYKRR[Thr4757Ser]KHVQKSLNPE

ClinVar aggregate classification (germline): Uncertain significance (1 of 4 stars; one submission).

Submission:

Labcorp Genetics (formerly Invitae), Labcorp
Classification: Uncertain significance. Last evaluated: 2021-12-06. Review status: criteria provided, single submitter. Criteria: Invitae Variant Classification Sherloc (09022015). Collection method: clinical testing. Allele origin: germline.
Comment: This sequence change replaces threonine, which is neutral and polar, with serine, which is neutral and polar, at codon 4757 of the PCLO protein (p.Thr4757Ser). This variant is not present in population databases (gnomAD no frequency). This variant has not been reported in the literature in individuals affected with PCLO-related conditions. Algorithms developed to predict the effect of missense changes on protein structure and function are either unavailable or do not agree on the potential impact of this missense change (SIFT: "Deleterious"; PolyPhen-2: "Not Available"; Align-GVGD: "Class C0"). In summary, the available evidence is currently insufficient to determine the role of this variant in disease. Therefore, it has been classified as a Variant of Uncertain Significance.